The following is an entry in ClinVar:

NM_014625.4(NPHS2):c.274G>A (p.Gly92Ser)

Gene: NPHS2 (NPHS2 stomatin family member, podocin; minus strand). Cytogenetic location: 1q25.2.
Variant type: single nucleotide variant.
Coding change: c.274G>A on transcript NM_014625.4 (MANE Select); coding-DNA position 274, G replaced by A.
Protein change: p.Gly92Ser; replaces glycine 92 with serine.
Molecular consequence: missense variant.
Genome position (GRCh38, 1-based): chr1:179,575,591, C>T on the plus strand (G>A on the coding strand, the complement: NPHS2 is on the minus strand). VCF-style: chr1-179575591-C-T. GRCh37 (hg19) VCF-style: chr1-179544726-C-T.
Other names: c.274G>A, p.Gly92Ser (NM_001297575.2); c.274G>A (NM_014625.3); short protein forms G92S.
Identifiers: ClinVar variation 1415700 (VCV001415700.9), dbSNP rs74315345, ClinGen allele CA343552395.
Genomic context (GRCh38, chr1:179,575,591, plus strand): 5'-TATCTGACGCCCCTTAGTTACCACCTGGAAAAGTAGCAGATAGTGGTGCTGAATCCGTAC[C>T]TTCCTCGGGCCGCTCGCTCTCCAACAGCGCCACCACCTCGGTGCCCTCCTCGCCGGAGCC-3'
Protein context (NP_055440.1, residues 82-102): ALLESERPEE[Gly92Ser]TKSSGLGACE

ClinVar aggregate classification (germline): Uncertain significance. Review status: criteria provided, single submitter (1 of 4 stars). 2 submissions from 2 submitters: Uncertain significance (1). 1 of the submissions does not count toward it. Last evaluated 2020-11-28.

Conditions:
Steroid-resistant nephrotic syndrome. Identifiers: MedGen C0403397, MONDO:0044765, HP:0012588.

Submissions (2):

Labcorp Genetics (formerly Invitae), Labcorp
Classification: Uncertain significance. Last evaluated: 2020-11-28. Review status: criteria provided, single submitter. Criteria: Invitae Variant Classification Sherloc (09022015). Collection method: clinical testing. Allele origin: germline.
Comment: This variant has not been reported in the literature in individuals with NPHS2-related conditions. This variant is not present in population databases (ExAC no frequency). This sequence change replaces glycine with serine at codon 92 of the NPHS2 protein (p.Gly92Ser). The glycine residue is highly conserved and there is a small physicochemical difference between glycine and serine. This variant also falls at the last nucleotide of exon 1, which is part of the consensus splice site for this exon. Algorithms developed to predict the effect of missense changes on protein structure and function are either unavailable or do not agree on the potential impact of this missense change (SIFT: "Deleterious"; PolyPhen-2: "Possibly Damaging"; Align-GVGD: "Class C0"). In summary, the available evidence is currently insufficient to determine the role of this variant in disease. Therefore, it has been classified as a Variant of Uncertain Significance. This variant disrupts the c.274 nucleotide in the NPHS2 gene. Other variant(s) that disrupt this nucleotide have been determined to be pathogenic (PMID: 21415313). This suggests that this nucleotide is clinically significant, and that variants that disrupt this position are likely to be disease-causing. Nucleotide substitutions within the consensus splice site are a relatively common cause of aberrant splicing (PMID: 17576681, 9536098). Algorithms developed to predict the effect of sequence changes on RNA splicing suggest that this variant may disrupt the consensus splice site, but this prediction has not been confirmed by published transcriptional studies.

Natera, Inc.
Classification: Uncertain significance for Steroid-resistant nephrotic syndrome. Last evaluated: 2025-01-13. Review status: no assertion criteria provided. Collection method: clinical testing. Allele origin: germline. Not counted in ClinVar's aggregate classification.

Literature cited by the submitters: PubMed 21415313 (cited by Labcorp Genetics (formerly Invitae), Labcorp); PubMed 17576681 (cited by Labcorp Genetics (formerly Invitae), Labcorp); PubMed 9536098 (cited by Labcorp Genetics (formerly Invitae), Labcorp).